The following is an entry in ClinVar:

ClinVar aggregate classification (germline): Pathogenic (1 of 4 stars; one submission).

Conditions:
Developmental and epileptic encephalopathy 94 (DEE94). Also called: Epileptic encephalopathy, childhood-onset; CHD2-Related Neurodevelopmental Disorders. Identifiers: Orphanet 1942, Orphanet 2382, MedGen C3809278, MONDO:0014150, OMIM 615369.

Submission:

Labcorp Genetics (formerly Invitae), Labcorp
Classification: Pathogenic for Developmental and epileptic encephalopathy 94. Last evaluated: 2023-08-10. Review status: criteria provided, single submitter. Criteria: Invitae Variant Classification Sherloc (09022015). Collection method: clinical testing. Allele origin: germline.
Comment: Isolated whole-gene deletions of CHD2 have not been reported in the literature. However, larger copy number events that include this gene have been reported (PMID: 22178256, 24932903). For these reasons, this variant has been classified as Pathogenic. A gross deletion of the genomic region encompassing the full coding sequence of the CHD2 gene has been identified. Loss-of-function variants in CHD2 are known to be pathogenic (PMID: 23708187, 24207121). The boundaries of this event are unknown as they extend beyond the assayed region for this gene and therefore may encompass additional genes.

Literature cited by the submitters: PubMed 22178256; PubMed 24932903; PubMed 23708187; PubMed 24207121.

NC_000015.9:g.(?_93444468)_(93583743_?)del

Gene: CHD2 (chromodomain helicase DNA binding protein 2; plus strand). Cytogenetic location: 15q26.1.
Variant type: Deletion.
Identifiers: ClinVar variation 1353592 (VCV001353592.7).